The following continues an entry in ClinVar:

NM_006361.6(HOXB13):c.251G>A (p.Gly84Glu)

Gene: HOXB13. ClinVar aggregate classification (germline): Pathogenic/Likely pathogenic; association. Pathogenic (16); Likely pathogenic (10).

Submissions 7 to 22 of 36:

Quest Diagnostics Nichols Institute San Juan Capistrano
Classification: Pathogenic. Last evaluated: 2025-08-11. Review status: criteria provided, single submitter. Criteria: Quest Diagnostics criteria. Collection method: clinical testing. Allele origin: unknown.
Comment: The HOXB13 c.251G>A (p.Gly84Glu) variant has been reported in the published literature to be significantly associated with an increased risk of prostate cancer, with higher risks observed for early-onset and familial disease compared with late-onset and sporadic disease (PMID: 22781434 (2012), 22236224 (2012), 23292082 (2013), 23064873 (2013), 23518396 (2013), 22841674 (2014), 24026887 (2014), 26517352 (2015), 27902461 (2017), 30527799 (2019)), and has been observed in individuals with breast cancer (PMID: 23292082 (2013), 26517352 (2015), 32546843 (2020)), and colorectal cancer (PMID: 23292082 (2013), 26517352 (2015). In addition, this variant is reported to be a founder variant in European populations (PMIDs: 23064873 (2013) and 22841674 (2014)). The frequency of this variant in the general population (Genome Aggregation Database) is uninformative in the assessment of its pathogenicity. Analysis of this variant using bioinformatics tools for the prediction of the effect of amino acid changes on protein structure and function yielded predictions that this variant is damaging. Based on the available information, this variant is classified as pathogenic.

Institute for Genomic Medicine (IGM) Clinical Laboratory, Nationwide Children's Hospital
Classification: Pathogenic for Prostate cancer, hereditary, 9. Last evaluated: 2025-06-18. Review status: criteria provided, single submitter. Criteria: ACMG Guidelines, 2015. Collection method: clinical testing. Allele origin: germline.
Comment: This variant has been reported at an elevated frequency in affected individuals/in multiple affected individuals in the literature (ACMG/AMP: PS4; PMIDs:26517352, 24026887, 25595936, 22841674, 22781434). This variant has been shown to segregate with disease in multiple affected family members (ACMG/AMP: PP1_Strong; PMID:22236224).

Center for Genomic Medicine, Rigshospitalet, Copenhagen University Hospital
Classification: Likely pathogenic. Last evaluated: 2025-03-04. Review status: criteria provided, single submitter. Criteria: ACMG Guidelines, 2015. Collection method: clinical testing. Allele origin: germline.

Mayo Clinic Laboratories, Mayo Clinic
Classification: Pathogenic. Last evaluated: 2025-01-20. Review status: criteria provided, single submitter. Criteria: ACMG Guidelines, 2015. Collection method: clinical testing. Allele origin: germline. Observed: 3 variant alleles.
Comment: PP1_strong, PS4

ARUP Laboratories, Molecular Genetics and Genomics, ARUP Laboratories
Classification: Likely pathogenic for Prostate cancer, hereditary, 9. Last evaluated: 2024-10-09. Review status: criteria provided, single submitter. Criteria: ARUP Molecular Germline Variant Investigation Process 2024. Collection method: clinical testing. Allele origin: germline.
Comment: The HOXB13 c.251G>A; p.Gly84Glu variant (rs138213197, ClinVar Variation ID 128031) is reported in the literature in individuals affected with prostate, breast, and colorectal cancers (selected references: Akbari 2012, Laitinen 2013, Ewing 2012). Large meta-analyses have shown that this variant is associated with an increased risk for prostate cancer (odds ratios: 3.25 â€“ 4.51) and even higher risk for early onset prostate cancer (Cai 2015, Huang 2014, Shang 2013). In the Genome Aggregation Database (v2.1.1), this variant is found primarily in the Finnish and non-Finnish European populations with an allele frequency of 0.76% (191/25072 alleles, including 1 homozygote) and 0.24% (311/ 128106 alleles, including 1 homozygote) respectively. Computational analyses are uncertain whether this variant is neutral or deleterious (REVEL: 0.448). Base on the available information the p.Gly84Glu variant is considered to be a likely pathogenic risk allele. References: Akbari MR et al. The HOXB13 p.Gly84Glu mutation is not associated with the risk of breast cancer. Breast Cancer Res Treat. 2012 Dec;136(3):907-9. PMID: 23099437. Cai Q et al. Germline HOXB13 p.Gly84Glu mutation and cancer susceptibility: a pooled analysis of 25 epidemiological studies with 145,257 participates. Oncotarget. 2015 Dec 8;6(39):42312-21. PMID: 26517352. Ewing CM et al. Germline mutations in HOXB13 and prostate-cancer risk. N Engl J Med. 2012 Jan 12;366(2):141-9. PMID: 22236224. Huang H et al. G84E mutation in HOXB13 is firmly associated with prostate cancer risk: a meta-analysis. Tumour Biol. 2014 Feb;35(2):1177-82. PMID: 24026887. Laitinen VH et al. HOXB13 G84E mutation in Finland: population-based analysis of prostate, breast, and colorectal cancer risk. Cancer Epidemiol Biomarkers Prev. 2013 Mar;22(3):452-60. PMID: 23292082. Shang Z et al. Germline homeobox B13 (HOXB13) G84E mutation and prostate cancer risk in European descendants: a meta-analysis of 24,213 cases and 73, 631 controls. Eur Urol. 2013 Jul;64(1):173-6. PMID: 23518396.

Fulgent Genetics
Classification: Likely pathogenic for Prostate cancer, hereditary, 9. Last evaluated: 2024-05-22. Review status: criteria provided, single submitter. Criteria: ACMG Guidelines, 2015. Collection method: clinical testing. Allele origin: germline.

Rady Children's Institute for Genomic Medicine, Rady Children's Hospital San Diego
Classification: Pathogenic for HOXB13-Related Cancer Predisposition. Last evaluated: 2024-03-29. Review status: criteria provided, single submitter. Criteria: ACMG Guidelines, 2015. Collection method: clinical testing. Allele origin: germline. Affected: yes.
Comment: The c.251G>A (p.Gly84Glu) variant affects a highly conserved amino acid and is predicted by multiple in silico tools to have a deleterious effect on protein function. This variant that has been previously reported has a heterozygous change in individuals with increased risk for prostate cancer, breast cancer, colorectal cancer, bladder cancer, and leukemia (PMID: 22236224, 22853031, 23541221, 26108461). Large studies comparing prostate cancer cases due to the c.251G>A (p.Gly84Glu) variant versus healthy controls have demonstrated that the variant is strongly associated with an increased risk of early-onset prostate cancer (PMID: 22841674, 23518396, 24026887). Additionally, this variant has been reported to segregate with prostate cancer in multiple families (PMID: 22236224). It is present in the heterozygous state in the gnomAD v4 population database at a frequency of 0.2% (2788/1613966) across all populations and at a frequency of 0.8% (487/63846) in the European Finnish population, suggesting a founder effect. Based on the available evidence, the c.251G>A (p.Gly84Glu) variant is classified as Pathogenic.

Baylor Genetics
Classification: Likely pathogenic for Prostate cancer, hereditary, 9. Last evaluated: 2024-03-25. Review status: criteria provided, single submitter. Criteria: ACMG Guidelines, 2015. Collection method: clinical testing. Allele origin: unknown.

CHEO Genetics Diagnostic Laboratory, Children's Hospital of Eastern Ontario
Classification: Likely pathogenic for Breast and/or ovarian cancer. Last evaluated: 2023-04-26. Review status: criteria provided, single submitter. Criteria: ACMG Guidelines, 2015. Collection method: clinical testing. Allele origin: germline.

HudsonAlpha Institute for Biotechnology
Classification: Pathogenic for Prostate cancer, hereditary, 9. Last evaluated: 2022-09-26. Review status: criteria provided, single submitter. Criteria: ACMG Guidelines, 2015. Collection method: research. Allele origin: unknown. Observed: 1 variant allele. Study: HudsonAlpha-COAGS.
Comment: PS4, PP1_Strong, PP3

MGZ Medical Genetics Center
Classification: Likely pathogenic for Prostate cancer, hereditary, 9. Last evaluated: 2022-08-09. Review status: criteria provided, single submitter. Criteria: ACMG Guidelines, 2015. Collection method: clinical testing. Allele origin: germline. Affected: yes. Observed: 13 variant alleles.
Comment: ACMG criteria applied: PS4, PP1, PP3, BS2

Mendelics
Classification: Pathogenic for Prostate cancer, hereditary, 9. Last evaluated: 2022-05-04. Review status: criteria provided, single submitter. Criteria: Mendelics Assertion Criteria 2019. Collection method: clinical testing. Allele origin: germline.

Genetics and Molecular Pathology, SA Pathology
Classification: Pathogenic for Prostate cancer, hereditary, 9. Last evaluated: 2021-11-25. Review status: criteria provided, single submitter. Criteria: ACMG Guidelines, 2015. Collection method: clinical testing. Allele origin: germline. Affected: yes.

Institute for Clinical Genetics, University Hospital TU Dresden, University Hospital TU Dresden
Classification: Likely pathogenic. Last evaluated: 2021-11-03. Review status: criteria provided, single submitter. Criteria: ACMG Guidelines, 2015. Collection method: clinical testing. Allele origin: germline.

Department of Pathology and Laboratory Medicine, Sinai Health System
Classification: Pathogenic for Prostate cancer, hereditary, 9. Last evaluated: 2021-09-21. Review status: criteria provided, single submitter. Criteria: ACMG Guidelines, 2015. Collection method: clinical testing. Allele origin: germline.

Women's Health and Genetics/Laboratory Corporation of America, LabCorp
Classification: Pathogenic for Familial prostate cancer. Last evaluated: 2021-08-23. Review status: criteria provided, single submitter. Criteria: LabCorp Variant Classification Summary - May 2015. Collection method: clinical testing. Allele origin: germline.
Comment: Variant summary: HOXB13 c.251G>A (p.Gly84Glu) results in a non-conservative amino acid change in the encoded protein sequence. Four of five in-silico tools predict a damaging effect of the variant on protein function. The variant allele was found at a frequency of 0.0018 in 249538 control chromosomes in the gnomAD database, including 2 homozygotes. c.251G>A has been reported in the literature in multiple individuals affected with Prostate Cancer, which include segregation in multiple families, and several studies have reported the variant as a European founder mutation. Family studies, population-based case-control studies, and large meta-analyses have shown the variant to confer an elevated risk for prostate cancer (eg. Huang_2014, Cai_2015, Ewing_2012). For example, a meta-analyses of 11 studies including 120,167 participants reported that men with the HOXB13 G84E variant had a 4.51-fold higher relative risk of prostate cancer compared with non-carriers (95 % CI 3.28-6.20; Huang_2014). The much higher risks were observed in individuals with early onset (odds ratio (OR)=9.73, 95 % confidence interval 6.57-14.39), more than two affected relatives (OR=7.27, 95 % CI 4.02-13.15), and highly aggressive disease (OR=5.81, 95 % CI 3.72-9.08). Eight clinical diagnostic laboratories have submitted clinical-significance assessments for this variant to ClinVar after 2014 without evidence for independent evaluation. All laboratories classified the variant as pathogenic/likely pathogenic. Based on the evidence outlined above, the variant was classified as pathogenic.